The following is an entry in ClinVar:

NM_001267550.2(TTN):c.25830C>G (p.His8610Gln)

Gene: TTN (titin; minus strand). Cytogenetic location: 2q31.2.
Variant type: single nucleotide variant.
Coding change: c.25830C>G on transcript NM_001267550.2 (MANE Select); coding-DNA position 25830, C replaced by G.
Protein change: p.His8610Gln; replaces histidine 8610 with glutamine.
Molecular consequence: missense variant. On other transcripts: intron variant (3).
Genome position (GRCh38, 1-based): chr2:178,715,584, G>C on the plus strand (C>G on the coding strand, the complement: TTN is on the minus strand). VCF-style: chr2-178715584-G-C. GRCh37 (hg19) VCF-style: chr2-179580311-G-C.
Other names: c.24879C>G, p.His8293Gln (NM_001256850.1); c.22098C>G, p.His7366Gln (NM_133378.4); c.13282+22498C>G (NM_003319.4); c.13858+22498C>G (NM_133437.4); c.13657+22498C>G (NM_133432.3); short protein forms H7366Q, H8610Q, H8293Q.
Identifiers: ClinVar variation 502717 (VCV000502717.6), dbSNP rs200939405, ClinGen allele CA2000135.

ClinVar aggregate classification (germline): Uncertain significance. Review status: criteria provided, multiple submitters, no conflicts (2 of 4 stars). 2 submissions from 2 submitters: Uncertain significance (2). Last evaluated 2026-02-27.

Conditions:
TTN-related disorder. Also called: TTN-related condition; TTN-related disease; TTN-related disorders.

Allele frequency attached by ClinVar (database versions not stated): ExAC 0.00002; gnomAD exomes 0.00002; gnomAD 0.00006; TOPMed 0.00006; ESP Exome Variant Server 0.00024.
gnomAD v4.1: 14 of 1,613,400 alleles (0.00087%); highest among the groups gnomAD compares: African/African-American, 0.019%; no homozygotes.

Submissions (2):

PreventionGenetics, part of Exact Sciences
Classification: Uncertain significance for TTN-related condition. Last evaluated: 2026-02-27. Review status: criteria provided, single submitter. Criteria: ACMG Guidelines, 2015. Collection method: clinical testing. Allele origin: germline.
Comment: The TTN c.25830C>G variant is predicted to result in the amino acid substitution p.His8610Gln. To our knowledge, this variant has not been reported in the literature. This variant is reported in 0.037% of alleles in individuals of African descent in gnomAD. At this time, the clinical significance of this variant is uncertain due to the absence of conclusive functional and genetic evidence.

Eurofins Ntd Llc (ga)
Classification: Uncertain significance. Last evaluated: 2017-06-27. Review status: criteria provided, single submitter. Criteria: EGL Classification Definitions 2015. Collection method: clinical testing. Allele origin: germline. Observed: 1 variant allele, 1 heterozygote.